The following is an entry in ClinVar:

NM_000219.6(KCNE1):c.174C>G (p.Thr58=)

Gene: KCNE1 (potassium voltage-gated channel subfamily E regulatory subunit 1; minus strand). Cytogenetic location: 21q22.12.
Variant type: single nucleotide variant.
Coding change: c.174C>G on transcript NM_000219.6 (MANE Select); coding-DNA position 174, C replaced by G.
Protein change: p.Thr58=; no amino-acid change (threonine 58 retained).
Molecular consequence: synonymous variant.
Genome position (GRCh38, 1-based): chr21:34,449,461, G>C on the plus strand (C>G on the coding strand, the complement: KCNE1 is on the minus strand). VCF-style: chr21-34449461-G-C. GRCh37 (hg19) VCF-style: chr21-35821759-G-C.
Other names: c.174C>G, p.Thr58= (NM_001127668.4, NM_001127669.4, NM_001127670.4 and 4 more transcripts).
Identifiers: ClinVar variation 163728 (VCV000163728.21), dbSNP rs727503101, ClinGen allele CA176424.

ClinVar aggregate classification (germline): Likely benign. Review status: criteria provided, multiple submitters, no conflicts (2 of 4 stars). 7 submissions from 7 submitters: Likely benign (4). 3 of the submissions do not count toward it. Last evaluated 2025-10-01.

Conditions:
Cardiovascular phenotype. Identifiers: MedGen CN230736.
Long QT syndrome (LQTS). Identifiers: MedGen C0023976, MeSH D008133, MONDO:0002442. Disease mechanism: loss of function. Inheritance: Various modes of inheritance.

Allele frequency attached by ClinVar (database versions not stated): gnomAD exomes 0.00001; gnomAD 0.00002; TOPMed 0.00002.

Submissions (8):

Labcorp Genetics (formerly Invitae), Labcorp
Classification: Likely benign for Long QT syndrome. Last evaluated: 2025-10-01. Review status: criteria provided, single submitter. Criteria: Invitae Variant Classification Sherloc (09022015). Collection method: clinical testing. Allele origin: germline.

Ambry Genetics
Classification: Likely benign for Cardiovascular phenotype. Last evaluated: 2022-10-27. Review status: criteria provided, single submitter. Criteria: Ambry Variant Classification Scheme 2023. Collection method: clinical testing. Allele origin: germline.

GeneDx
Classification: Likely benign. Last evaluated: 2016-06-20. Review status: criteria provided, single submitter. Criteria: GeneDx Variant Classification (06012015). Collection method: clinical testing. Allele origin: germline. Affected: yes.
Comment: This variant is considered likely benign or benign based on one or more of the following criteria: it is a conservative change, it occurs at a poorly conserved position in the protein, it is predicted to be benign by multiple in silico algorithms, and/or has population frequency not consistent with disease.

Laboratory for Molecular Medicine, Mass General Brigham Personalized Medicine
Classification: Likely benign. Last evaluated: 2014-08-05. Review status: criteria provided, single submitter. Criteria: LMM Criteria. Collection method: clinical testing. Allele origin: germline. Observed: 1 variant allele.
Comment: Thr58Thr in exon 3 of KCNE1: This variant is not expected to have clinical signi ficance because it does not alter an amino acid residue and is not located withi n the splice consensus sequence.

Clinical Genetics DNA and cytogenetics Diagnostics Lab, Erasmus MC, Erasmus Medical Center
Classification: Likely benign. Review status: no assertion criteria provided. Collection method: clinical testing. Allele origin: germline. Affected: yes. Study: VKGL Data-share Consensus. Not counted in ClinVar's aggregate classification.

Clinical Genetics, Academic Medical Center
Classification: Benign. Review status: no assertion criteria provided. Collection method: clinical testing. Allele origin: germline. Affected: yes. Study: VKGL Data-share Consensus. Not counted in ClinVar's aggregate classification.

Genome Diagnostics Laboratory, University Medical Center Utrecht
Classification: Likely benign. Review status: no assertion criteria provided. Collection method: clinical testing. Allele origin: germline. Affected: yes. Study: VKGL Data-share Consensus. Not counted in ClinVar's aggregate classification.

Roden Lab, Vanderbilt University Medical Center
No classification provided (evidence only). Condition: Long QT syndrome 5. Review status: no classification provided. Collection method: in vitro. Allele origin: not applicable. Functional consequence: Effect on ion channel function. Not counted in ClinVar's aggregate classification.
ClinVar note: "not provided" was previously submitted as the classification for the variant. However, the classification appeared to be based only on an observation of functional data so it was converted to no classification on 2025-07-30.